The following is an entry in ClinVar:

ClinVar aggregate classification (germline): Conflicting classifications of pathogenicity. Review status: criteria provided, conflicting classifications (1 of 4 stars). 5 submissions from 5 submitters: Pathogenic (1); Likely pathogenic (1); Uncertain significance (2). 1 of the submissions does not count toward it. Last evaluated 2025-09-30.

Conditions:
Intellectual disability, autosomal dominant 24 (VSVS). Also called: VULTO-VAN SILFHOUT-DE VRIES SYNDROME. Identifiers: MedGen C4014414, MONDO:0014357, OMIM 615828.

Submissions (5):

Variantyx, Inc.
Classification: Pathogenic for Intellectual disability, autosomal dominant 24. Last evaluated: 2025-09-30. Review status: criteria provided, single submitter. Criteria: Variantyx Assertion Criteria 2022. Collection method: clinical testing. Allele origin: de novo. Inheritance: Autosomal dominant inheritance. Affected: yes.
Comment: This is a inframe deletion variant in the DEAF1 gene (OMIM: 602635). Pathogenic variants in this gene have been associated with autosomal dominant Vulto-van Silfout-de Vries syndrome. The alteration causes an in-frame deletion of a single amino acid at position 305 of the DEAF1 protein (PM4_Supporting). Functional studies have shown that this variant alters DEAF1 protein function (PMID: 28940898) (PS3). This variant has a 0.0024% maximum allele frequency in non-founder control populations (PM2_Supporting). Based on the current evidence, this variant is classified as pathogenic for autosomal dominant Vulto-van Silfout-de Vries syndrome.

GeneDx
Classification: Uncertain significance. Last evaluated: 2025-06-18. Review status: criteria provided, single submitter. Criteria: GeneDx Variant Classification Process June 2021. Collection method: clinical testing. Allele origin: germline. Affected: yes.
Comment: De novo variant with confirmed parentage in a patient with intelectual disability, developmental delay, hypotonia, ataxia, seizures, and an autistic phenotype; however, the patient also harbored a de novo variant in the DYNC1H1 gene (PMID: 28940898); In-frame deletion of 1 amino acid(s) in a non-repeat region; Not observed at significant frequency in large population cohorts (gnomAD); In silico analysis supports a deleterious effect on protein structure/function; This variant is associated with the following publications: (PMID: 28940898)

Labcorp Genetics (formerly Invitae), Labcorp
Classification: Uncertain significance. Last evaluated: 2024-02-29. Review status: criteria provided, single submitter. Criteria: Invitae Variant Classification Sherloc (09022015). Collection method: clinical testing. Allele origin: germline.
Comment: This variant, c.913_915del, results in the deletion of 1 amino acid(s) of the DEAF1 protein (p.Lys305del), but otherwise preserves the integrity of the reading frame. This variant is not present in population databases (gnomAD no frequency). This variant has been observed in individual(s) with clinical features of DEAF1-related conditions (PMID: 28940898). ClinVar contains an entry for this variant (Variation ID: 437397). Algorithms developed to predict the effect of variants on protein structure and function are not available or were not evaluated for this variant. Experimental studies have shown that this variant affects DEAF1 function (PMID: 28940898). In summary, the available evidence is currently insufficient to determine the role of this variant in disease. Therefore, it has been classified as a Variant of Uncertain Significance.

Baylor Genetics
Classification: Likely pathogenic for Intellectual disability, autosomal dominant 24. Last evaluated: 2017-08-17. Review status: criteria provided, single submitter. Criteria: ACMG Guidelines, 2015. Collection method: clinical testing. Allele origin: de novo. Inheritance: Autosomal dominant inheritance. Affected: yes. Observed: 1 variant allele, 1 heterozygote.
Comment: A de novo DYNC1H1 missense variant was also present.

OMIM
Classification: Pathogenic for VULTO-VAN SILFHOUT-DE VRIES SYNDROME. Last evaluated: 2020-06-01. Review status: no assertion criteria provided. Collection method: literature only. Allele origin: germline. Not counted in ClinVar's aggregate classification.

Literature cited by the submitters: PubMed 28940898 (cited by 4 submitters).

NM_021008.4(DEAF1):c.910AAG[1] (p.Lys305del)

Gene: DEAF1 (DEAF1 transcription factor; minus strand). Cytogenetic location: 11p15.5.
Variant type: Microsatellite.
Coding change: c.910AAG[1] on transcript NM_021008.4 (MANE Select); one copy of the 3-base unit AAG starting at c.910; the reference has two copies in a row; one copy, 3 bases deleted; also written c.913_915del.
Protein change: p.Lys305del; deletes lysine 305.
Molecular consequence: inframe deletion. On other transcripts: intron variant (1).
Genome position (GRCh38, 1-based): chr11:681,045-681,047, CTT deleted on the plus strand (AAG on the coding strand, the reverse complement: DEAF1 is on the minus strand); deleting any 3 consecutive bases within chr11:681,045-681,050 gives the same sequence; the position shown is the placement nearest the transcript's 3' end. VCF-style (leftmost placement, unchanged base first): chr11-681044-CCTT-C. GRCh37 (hg19) VCF-style: chr11-681044-CCTT-C.
Other names: c.184AAG[1], p.Lys63del (NM_001367390.1, NM_001440885.1, NM_001440886.1 and 1 more transcripts); c.910AAG[1], p.Lys305del (NM_001440883.1, NM_001440884.1); c.731-1231_731-1229del (NM_001293634.2); c.913_915del (NM_021008.4); short protein forms K305del, K63del.
Identifiers: ClinVar variation 437397 (VCV000437397.7), dbSNP rs1554943158, ClinGen allele CA658658024.